The following is an entry in ClinVar:

ClinVar aggregate classification (germline): Uncertain significance (1 of 4 stars; one submission).

Submission:

GeneDx
Classification: Uncertain significance. Last evaluated: 2024-03-14. Review status: criteria provided, single submitter. Criteria: GeneDx Variant Classification Process June 2021. Collection method: clinical testing. Allele origin: germline. Affected: yes.
Comment: Not observed at significant frequency in large population cohorts (gnomAD); In silico analysis supports that this missense variant has a deleterious effect on protein structure/function; Has not been previously published as pathogenic or benign to our knowledge

NM_014712.3(SETD1A):c.1312C>T (p.Pro438Ser)

Gene: SETD1A (SET domain containing 1A, histone lysine methyltransferase; plus strand). Cytogenetic location: 16p11.2.
Variant type: single nucleotide variant.
Coding change: c.1312C>T on transcript NM_014712.3 (MANE Select); coding-DNA position 1312, C replaced by T.
Protein change: p.Pro438Ser; replaces proline 438 with serine.
Molecular consequence: missense variant.
Genome position (GRCh38, 1-based): chr16:30,965,054, C>T. VCF-style: chr16-30965054-C-T. GRCh37 (hg19) VCF-style: chr16-30976375-C-T.
Other names: short protein forms P438S.
Identifiers: ClinVar variation 3371061 (VCV003371061.1).